The following is an entry in ClinVar:

ClinVar aggregate classification (germline): Uncertain significance (1 of 4 stars; one submission).

Allele frequency attached by ClinVar (database versions not stated): TOPMed 0.00004; ExAC 0.00005; gnomAD 0.00006 and 0.00007; gnomAD exomes 0.00006 and 0.00007; 1000 Genomes Project 30x 0.00031; 1000 Genomes Project 0.00040.
gnomAD v4.1: 97 of 1,613,938 alleles (0.006%); highest among the groups gnomAD compares: South Asian, 0.0077%; no homozygotes.

Submission:

Labcorp Genetics (formerly Invitae), Labcorp
Classification: Uncertain significance. Last evaluated: 2023-04-24. Review status: criteria provided, single submitter. Criteria: Invitae Variant Classification Sherloc (09022015). Collection method: clinical testing. Allele origin: germline.
Comment: ClinVar contains an entry for this variant (Variation ID: 1447768). In summary, the available evidence is currently insufficient to determine the role of this variant in disease. Therefore, it has been classified as a Variant of Uncertain Significance. Variants that disrupt the consensus splice site are a relatively common cause of aberrant splicing (PMID: 17576681, 9536098). Algorithms developed to predict the effect of sequence changes on RNA splicing suggest that this variant is not likely to affect RNA splicing. This variant has not been reported in the literature in individuals affected with EPHA4-related conditions. This variant is present in population databases (rs558863612, gnomAD 0.01%). This sequence change falls in intron 11 of the EPHA4 gene. It does not directly change the encoded amino acid sequence of the EPHA4 protein. It affects a nucleotide within the consensus splice site.

Literature cited by the submitters: PubMed 17576681; PubMed 9536098.

NM_004438.5(EPHA4):c.2074+4C>T

Gene: EPHA4 (EPH receptor A4; minus strand). Cytogenetic location: 2q36.1.
Variant type: single nucleotide variant.
Coding change: c.2074+4C>T on transcript NM_004438.5 (MANE Select); 4 bases into the intron after coding-DNA position 2074, C replaced by T.
Molecular consequence: intron variant.
Genome position (GRCh38, 1-based): chr2:221,442,825, G>A on the plus strand (C>T on the coding strand, the complement: EPHA4 is on the minus strand). VCF-style: chr2-221442825-G-A. GRCh37 (hg19) VCF-style: chr2-222307545-G-A.
Other names: c.2074+4C>T (NM_001304536.2, NM_001363748.2); c.1921+4C>T (NM_001304537.2).
Identifiers: ClinVar variation 1447768 (VCV001447768.6), dbSNP rs558863612, ClinGen allele CA2134878.